The following is an entry in ClinVar:

NM_000329.3(RPE65):c.920C>T (p.Ser307Phe)

Gene: RPE65 (retinoid isomerohydrolase RPE65; minus strand). Cytogenetic location: 1p31.3.
Variant type: single nucleotide variant.
Coding change: c.920C>T on transcript NM_000329.3 (MANE Select); coding-DNA position 920, C replaced by T.
Protein change: p.Ser307Phe; replaces serine 307 with phenylalanine.
Molecular consequence: missense variant.
Genome position (GRCh38, 1-based): chr1:68,439,020, G>A on the plus strand (C>T on the coding strand, the complement: RPE65 is on the minus strand). VCF-style: chr1-68439020-G-A. GRCh37 (hg19) VCF-style: chr1-68904703-G-A.
Other names: short protein forms S307F.
Identifiers: ClinVar variation 877023 (VCV000877023.5), dbSNP rs1261473838, ClinGen allele CA340744891.

ClinVar aggregate classification (germline): Uncertain significance. Review status: criteria provided, multiple submitters, no conflicts (2 of 4 stars). 3 submissions from 2 submitters: Uncertain significance (3). Last evaluated 2022-07-26.

Conditions:
Retinitis pigmentosa 20 (RP20). Identifiers: Orphanet 791, MedGen C3151086, MONDO:0013425, OMIM 613794.
Leber congenital amaurosis 2 (LCA2). Also called: AMAUROSIS CONGENITA OF LEBER II; Autosomal Recessive RPE65-Related Retinal Degeneration. Identifiers: Orphanet 65, MedGen C1859844, MONDO:0008765, OMIM 204100. Disease mechanism: loss of function.
Retinitis pigmentosa (RP). Identifiers: Orphanet 791, MedGen C0035334, MeSH D012174, MONDO:0019200, OMIM 268000. Inheritance: Autosomal dominant, autosomal recessive and X linked inheritance.

Allele frequency attached by ClinVar (database versions not stated): gnomAD exomes below 0.00001 and 0.00001; TOPMed 0.00002.
gnomAD v4.1: 6 of 1,614,102 alleles (0.00037%); highest among the groups gnomAD compares: Non-Finnish European, 0.00042%; no homozygotes.

Submissions (3):

Labcorp Genetics (formerly Invitae), Labcorp
Classification: Uncertain significance for Leber congenital amaurosis 2; Retinitis pigmentosa 20. Last evaluated: 2022-07-26. Review status: criteria provided, single submitter. Criteria: Invitae Variant Classification Sherloc (09022015). Collection method: clinical testing. Allele origin: germline.
Comment: This sequence change replaces serine, which is neutral and polar, with phenylalanine, which is neutral and non-polar, at codon 307 of the RPE65 protein (p.Ser307Phe). This variant is present in population databases (no rsID available, gnomAD 0.0009%). This variant has not been reported in the literature in individuals affected with RPE65-related conditions. ClinVar contains an entry for this variant (Variation ID: 877023). Algorithms developed to predict the effect of missense changes on protein structure and function are either unavailable or do not agree on the potential impact of this missense change (SIFT: "Deleterious"; PolyPhen-2: "Probably Damaging"; Align-GVGD: "Class C0"). In summary, the available evidence is currently insufficient to determine the role of this variant in disease. Therefore, it has been classified as a Variant of Uncertain Significance.

Illumina Laboratory Services, Illumina
Classification: Uncertain significance for Retinitis pigmentosa. Last evaluated: 2017-04-27. Review status: criteria provided, single submitter. Criteria: ICSL Variant Classification Criteria 13 December 2019. Collection method: clinical testing. Allele origin: germline.

Illumina Laboratory Services, Illumina
Classification: Uncertain significance for Leber congenital amaurosis 2. Last evaluated: 2017-04-27. Review status: criteria provided, single submitter. Criteria: ICSL Variant Classification Criteria 13 December 2019. Collection method: clinical testing. Allele origin: germline.